The following is an entry in ClinVar:

ClinVar aggregate classification (germline): Likely pathogenic (1 of 4 stars; one submission).

Conditions:
ZTTK syndrome (ZTTKS). Also called: Zhu-Tokita-Takenouchi-Kim Syndrome; ZTTK MULTIPLE CONGENITAL ANOMALIES-MENTAL RETARDATION SYNDROME. Identifiers: Orphanet 500150, MedGen C4310696, MONDO:0014936, OMIM 617140.

Submission:

Division of Genetic & Genomic Pathology, Hong Kong Children's Hospital
Classification: Likely pathogenic for ZTTK syndrome. Last evaluated: 2025-09-12. Review status: criteria provided, single submitter. Criteria: ACMG Guidelines, 2015. Collection method: clinical testing. Allele origin: germline. Affected: yes.
Comment: The SON c.6333_6334del p.(Gln2111Hisfs*5) variant causes a frameshift and a stop gain in exon 5 of 12 exons of the SON gene. It is predicted to generate mRNA transcripts targeted by nonsense-mediated decay. Loss-of-function variants in SON are known to be pathogenic (PMID: 34521999). This variant is absent in population controls (gnomAD v4.1.0 and v2.1.1). It has not been reported in ClinVar or patients with SON-related diseases, but other downstream loss-of-function variants have been reported as pathogenic/likely pathogenic in ClinVar (VCV000818041.1, VCV003906986.1) and literature (PMID: 34331327). For these reasons, the SON c.6333_6334del p.(Gln2111Hisfs*5) variant is classified as likely pathogenic.

Literature cited by the submitters: PubMed 34521999; PubMed 34331327.

NM_138927.4(SON):c.6333_6334del (p.Gln2111fs)

Gene: SON (SON DNA and RNA binding protein; plus strand). Cytogenetic location: 21q22.11.
Variant type: Deletion.
Coding change: c.6333_6334del on transcript NM_138927.4 (MANE Select); coding-DNA positions 6333 to 6334, 2 bases deleted (GA; older notation c.6333_6334delGA).
Protein change: p.Gln2111fs; shifts the reading frame from glutamine 2111.
Molecular consequence: frameshift variant. On other transcripts: non-coding transcript variant (1).
Genome position (GRCh38, 1-based): chr21:33,559,241-33,559,242, GA deleted; deleting any 2 consecutive bases within chr21:33,559,240-33,559,242 gives the same sequence; the c. name uses the placement nearest the transcript's 3' end. VCF-style (leftmost placement, unchanged base first): chr21-33559239-CAG-C. GRCh37 (hg19) VCF-style: chr21-34931545-CAG-C.
Other names: c.417_418del, p.Gln139fs (NM_001291412.3); c.6333_6334del, p.Gln2111fs (NM_032195.3); short protein forms Q139fs, Q2111fs.
Identifiers: ClinVar variation 5020090 (VCV005020090.1).
Genomic context (GRCh38, chr21:33,559,239, plus strand): 5'-TGTTCTACATAAAGCGTAAGATTTATCTTTTGTTTGTTTTTACTTTTAAAGAAATGTAAA[CAG>C]ATCGCACAGAGTAAAGAAGATGATGATGTAATAGTGAATAAACCTCATGTTTCGGATGAA-3'